The following is an entry in ClinVar:

NM_198578.4(LRRK2):c.5870G>A (p.Arg1957His)

Gene: LRRK2 (leucine rich repeat kinase 2; plus strand). Cytogenetic location: 12q12.
Variant type: single nucleotide variant.
Coding change: c.5870G>A on transcript NM_198578.4 (MANE Select); coding-DNA position 5870, G replaced by A.
Protein change: p.Arg1957His; replaces arginine 1957 with histidine.
Molecular consequence: missense variant.
Genome position (GRCh38, 1-based): chr12:40,335,079, G>A. VCF-style: chr12-40335079-G-A. GRCh37 (hg19) VCF-style: chr12-40728881-G-A.
Other names: short protein forms R1957H.
Identifiers: ClinVar variation 1958941 (VCV001958941.5), dbSNP rs201012950, ClinGen allele CA6514558.

ClinVar aggregate classification (germline): Uncertain significance (1 of 4 stars; one submission).

Conditions:
Autosomal dominant Parkinson disease 8. Also called: LRRK2-Related Parkinson Disease; Parkinson disease 8; Parkinson disease 8, susceptibility to. Identifiers: Orphanet 411602, MedGen C1846862, MONDO:0011764, OMIM 607060.

Allele frequency attached by ClinVar (database versions not stated): ESP Exome Variant Server 0.00008.
gnomAD v4.1: 54 of 1,613,924 alleles (0.0033%); highest among the groups gnomAD compares: Non-Finnish European, 0.0042%; no homozygotes.

Submission:

Labcorp Genetics (formerly Invitae), Labcorp
Classification: Uncertain significance for Autosomal dominant Parkinson disease 8. Last evaluated: 2022-03-03. Review status: criteria provided, single submitter. Criteria: Invitae Variant Classification Sherloc (09022015). Collection method: clinical testing. Allele origin: germline.
Comment: This missense change has been observed in individual(s) with Parkinson disease (PMID: 32677286). This sequence change replaces arginine, which is basic and polar, with histidine, which is basic and polar, at codon 1957 of the LRRK2 protein (p.Arg1957His). This variant is present in population databases (rs201012950, gnomAD 0.006%). Algorithms developed to predict the effect of missense changes on protein structure and function (SIFT, PolyPhen-2, Align-GVGD) all suggest that this variant is likely to be tolerated. In summary, the available evidence is currently insufficient to determine the role of this variant in disease. Therefore, it has been classified as a Variant of Uncertain Significance.

Literature cited by the submitters: PubMed 32677286.